The following is an entry in ClinVar:

ClinVar aggregate classification (germline): Conflicting classifications of pathogenicity. Review status: criteria provided, conflicting classifications (1 of 4 stars). 5 submissions from 5 submitters: Uncertain significance (1); Likely benign (3). 1 of the submissions does not count toward it. Last evaluated 2025-11-19.

Conditions:
Cardiovascular phenotype. Identifiers: MedGen CN230736.
RASopathy. Also called: Noonan spectrum disorder; rasopathies. Identifiers: Orphanet 536391, MedGen C5555857, MONDO:0021060.
PTPN11-related disorder. Also called: PTPN11-Related Disorders.

Allele frequency attached by ClinVar (database versions not stated): gnomAD exomes 0.00001 and 0.00002; ExAC 0.00003; gnomAD 0.00008 and 0.00009; TOPMed 0.00012; ESP Exome Variant Server 0.00023.
gnomAD v4.1: 35 of 1,593,096 alleles (0.0022%); highest among the groups gnomAD compares: African/African-American, 0.034%; no homozygotes.

Submissions (5):

Labcorp Genetics (formerly Invitae), Labcorp
Classification: Likely benign for RASopathy. Last evaluated: 2025-11-19. Review status: criteria provided, single submitter. Criteria: Invitae Variant Classification Sherloc (09022015). Collection method: clinical testing. Allele origin: germline.

Ambry Genetics
Classification: Likely benign for Cardiovascular phenotype. Last evaluated: 2018-06-18. Review status: criteria provided, single submitter. Criteria: Ambry Variant Classification Scheme 2023. Collection method: clinical testing. Allele origin: germline.

GeneDx
Classification: Likely benign. Last evaluated: 2018-05-23. Review status: criteria provided, single submitter. Criteria: GeneDx Variant Classification (06012015). Collection method: clinical testing. Allele origin: germline. Affected: yes.
Comment: This variant is considered likely benign or benign based on one or more of the following criteria: it is a conservative change, it occurs at a poorly conserved position in the protein, it is predicted to be benign by multiple in silico algorithms, and/or has population frequency not consistent with disease.

Eurofins Ntd Llc (ga)
Classification: Uncertain significance. Last evaluated: 2016-08-01. Review status: criteria provided, single submitter. Criteria: EGL Classification Definitions 2015. Collection method: clinical testing. Allele origin: germline. Observed: 1 variant allele, 1 heterozygote.

PreventionGenetics, part of Exact Sciences
Classification: Likely benign for PTPN11-related condition. Last evaluated: 2022-10-24. Review status: no assertion criteria provided. Collection method: clinical testing. Allele origin: germline. Not counted in ClinVar's aggregate classification.
Comment: This variant is classified as likely benign based on ACMG/AMP sequence variant interpretation guidelines (Richards et al. 2015 PMID: 25741868, with internal and published modifications).

NM_002834.5(PTPN11):c.1740T>C (p.Tyr580=)

Gene: PTPN11 (protein tyrosine phosphatase non-receptor type 11; plus strand). Cytogenetic location: 12q24.13.
Variant type: single nucleotide variant.
Coding change: c.1740T>C on transcript NM_002834.5 (MANE Select); coding-DNA position 1740, T replaced by C.
Protein change: p.Tyr580=; no amino-acid change (tyrosine 580 retained).
Molecular consequence: synonymous variant.
Genome position (GRCh38, 1-based): chr12:112,504,722, T>C. VCF-style: chr12-112504722-T-C. GRCh37 (hg19) VCF-style: chr12-112942526-T-C.
Other names: c.1740T>C (NM_002834.4); c.1752T>C, p.Tyr584= (NM_001330437.2); c.1737T>C, p.Tyr579= (NM_001374625.1).
Identifiers: ClinVar variation 289525 (VCV000289525.18), dbSNP rs139188627, ClinGen allele CA6798859.
Genomic context (GRCh38, chr12:112,504,722, plus strand): 5'-TTGTAAATGTCTTTCTTTTTCTTTTCTCTCCAGAATGAGAGAAGACAGTGCTAGAGTCTA[T>C]GAAAACGTGGGCCTGATGCAACAGCAGAAAAGTTTCAGATGAGAAAACCTGCCAAAACTT-3'
Protein context (NP_002825.3, residues 570-590): AEMREDSARV[Tyr580=]ENVGLMQQQK